The following is an entry in ClinVar:

NM_000722.4(CACNA2D1):c.2641G>A (p.Ala881Thr)

Gene: CACNA2D1 (calcium voltage-gated channel auxiliary subunit alpha2delta 1; minus strand). Cytogenetic location: 7q21.11.
Variant type: single nucleotide variant.
Coding change: c.2641G>A on transcript NM_000722.4 (MANE Select); coding-DNA position 2641, G replaced by A.
Protein change: p.Ala881Thr; replaces alanine 881 with threonine.
Molecular consequence: missense variant.
Genome position (GRCh38, 1-based): chr7:81,964,293, C>T on the plus strand (G>A on the coding strand, the complement: CACNA2D1 is on the minus strand). VCF-style: chr7-81964293-C-T. GRCh37 (hg19) VCF-style: chr7-81593609-C-T.
Other names: c.2677G>A, p.Ala893Thr (NM_001366867.1); short protein forms A881T, A893T.
Identifiers: ClinVar variation 4881258 (VCV004881258.2).
Genomic context (GRCh38, chr7:81,964,293, plus strand): 5'-CTTGTTTTGGTGCAGCACCGGGCTCACATACTGACTGATAATCATAAGATTTGTTAAAAG[C>T]ATAAACTGATATATTAACCAGGTGTCTCATCAAGCTGGGATCAATCTCTCCAAAAAATCT-3'
Protein context (NP_000713.2, residues 871-891): MRHLVNISVY[Ala881Thr]FNKSYDYQSV

ClinVar aggregate classification (germline): Uncertain significance (1 of 4 stars; one submission).

Conditions:
Developmental and epileptic encephalopathy 110 (DEE110). Identifiers: MedGen C5774265, MONDO:0859327, OMIM 620149.

Submission:

Dasa
Classification: Uncertain significance for Developmental and epileptic encephalopathy 110. Last evaluated: 2025-04-08. Review status: criteria provided, single submitter. Criteria: DASA Assertion Criteria. Collection method: clinical testing. Allele origin: germline.
Comment: NM_000722.4(CACNA2D1):c.2641G>A (p.Ala881Thr) is a missense variant that results in the substitution of alanine with threonine. This variant is absent from population databases. Computational prediction algorithms are consistent with a benign effect. The currently available literature and clinical evidence are not sufficient to establish a definitive association between this variant and the reported condition. Therefore, this variant is classified as a variant of uncertain significance.